The following is an entry in ClinVar:

NM_000059.4(BRCA2):c.3461C>A (p.Thr1154Asn)

Gene: BRCA2 (BRCA2 DNA repair associated; plus strand). Cytogenetic location: 13q13.1.
Variant type: single nucleotide variant.
Coding change: c.3461C>A on transcript NM_000059.4 (MANE Select); coding-DNA position 3461, C replaced by A.
Protein change: p.Thr1154Asn; replaces threonine 1154 with asparagine.
Molecular consequence: missense variant.
Genome position (GRCh38, 1-based): chr13:32,337,816, C>A. VCF-style: chr13-32337816-C-A. GRCh37 (hg19) VCF-style: chr13-32911953-C-A.
Other names: short protein forms T1154N.
Identifiers: ClinVar variation 1001460 (VCV001001460.13), dbSNP rs786202212, ClinGen allele CA387776743.

ClinVar aggregate classification (germline): Conflicting classifications of pathogenicity. Review status: criteria provided, conflicting classifications (1 of 4 stars). 2 submissions from 2 submitters: Uncertain significance (1); Likely benign (1). Last evaluated 2025-12-23.

Conditions:
Hereditary cancer-predisposing syndrome. Also called: Neoplastic Syndromes, Hereditary; Tumor predisposition; Hereditary Cancer Syndrome; Hereditary neoplastic syndrome. Identifiers: Orphanet 140162, MedGen C0027672, MeSH D009386, MONDO:0015356.
Hereditary breast ovarian cancer syndrome. Also called: Hereditary breast and ovarian cancer syndrome; Hereditary breast and/or ovarian cancer syndrome; Hereditary breast and ovarian cancer syndrome (HBOC); Breast and ovarian cancer; BRCA1- and BRCA2-Associated Hereditary Breast and Ovarian Cancer; Hereditary breast and ovarian cancer. Identifiers: Orphanet 145, MedGen C0677776, MeSH D061325, MONDO:0003582. Disease mechanism: loss of function.

gnomAD v4.1: 2 of 1,614,056 alleles (0.00012%); highest among the groups gnomAD compares: African/African-American, 0.0013%; no homozygotes.

Submissions (2):

Labcorp Genetics (formerly Invitae), Labcorp
Classification: Uncertain significance for Hereditary breast ovarian cancer syndrome. Last evaluated: 2025-12-23. Review status: criteria provided, single submitter. Criteria: Invitae Variant Classification Sherloc (09022015). Collection method: clinical testing. Allele origin: germline.
Comment: This sequence change replaces threonine, which is neutral and polar, with asparagine, which is neutral and polar, at codon 1154 of the BRCA2 protein (p.Thr1154Asn). This variant is not present in population databases (gnomAD no frequency). This missense change has been observed in individual(s) with BRCA2-related conditions (PMID: 21520333). ClinVar contains an entry for this variant (Variation ID: 1001460). Invitae Evidence Modeling of protein sequence and biophysical properties (such as structural, functional, and spatial information, amino acid conservation, physicochemical variation, residue mobility, and thermodynamic stability) indicates that this missense variant is not expected to disrupt BRCA2 protein function with a negative predictive value of 95%. In summary, the available evidence is currently insufficient to determine the role of this variant in disease. Therefore, it has been classified as a Variant of Uncertain Significance.

University of Washington Department of Laboratory Medicine, University of Washington
Classification: Likely benign for Hereditary cancer-predisposing syndrome. Last evaluated: 2023-03-23. Review status: criteria provided, single submitter. Criteria: Dines et al. (Genet Med. 2020). Collection method: curation. Allele origin: germline.
Comment: Missense variant in a coldspot region where missense variants are very unlikely to be pathogenic (PMID:31911673).

BRCA2 exon 11 coldspot. Reclassification based on statistical prior probability.

Literature cited by the submitters: PubMed 21520333 (cited by Labcorp Genetics (formerly Invitae), Labcorp).